The following is an entry in ClinVar:

ClinVar aggregate classification (germline): Uncertain significance. Review status: criteria provided, multiple submitters, no conflicts (2 of 4 stars). 3 submissions from 3 submitters: Uncertain significance (3). Last evaluated 2025-07-16.

Conditions:
Maturity-onset diabetes of the young (MODY). Also called: Maturity onset diabetes mellitus in young. Identifiers: Orphanet 552, MedGen C0342276, MONDO:0018911, HP:0004904.

Allele frequency attached by ClinVar (database versions not stated): ExAC 0.00001; gnomAD exomes 0.00001; TOPMed 0.00002; gnomAD 0.00004.
gnomAD v4.1: 8 of 1,612,466 alleles (0.0005%); highest among the groups gnomAD compares: African/African-American, 0.0093%; no homozygotes.

Submissions (3):

Labcorp Genetics (formerly Invitae), Labcorp
Classification: Uncertain significance. Last evaluated: 2025-07-16. Review status: criteria provided, single submitter. Criteria: Invitae Variant Classification Sherloc (09022015). Collection method: clinical testing. Allele origin: germline.
Comment: This sequence change replaces glycine, which is neutral and non-polar, with aspartic acid, which is acidic and polar, at codon 23 of the HNF4A protein (p.Gly23Asp). This variant is present in population databases (rs773661614, gnomAD 0.008%). This variant has not been reported in the literature in individuals affected with HNF4A-related conditions. ClinVar contains an entry for this variant (Variation ID: 804912). Invitae Evidence Modeling of protein sequence and biophysical properties (such as structural, functional, and spatial information, amino acid conservation, physicochemical variation, residue mobility, and thermodynamic stability) has been performed for this missense variant. However, the output from this modeling did not meet the statistical confidence thresholds required to predict the impact of this variant on HNF4A protein function. In summary, the available evidence is currently insufficient to determine the role of this variant in disease. Therefore, it has been classified as a Variant of Uncertain Significance.

Athena Diagnostics
Classification: Uncertain significance. Last evaluated: 2022-04-13. Review status: criteria provided, single submitter. Criteria: Athena Diagnostics Criteria. Collection method: clinical testing. Allele origin: unknown.

Clinical Genomics, Uppaluri K&H Personalized Medicine Clinic
Classification: Uncertain significance for Maturity-onset diabetes of the young. Review status: criteria provided, single submitter. Criteria: K & H Uppaluri Personalized Medicine Clinic Variant Classification & Assertion Criteria_Updated V.1. Collection method: research. Allele origin: unknown. Inheritance: Autosomal dominant inheritance.
Comment: Potent mutations in HNF4A are associated with poor insulin secretion in response to hyperglycemia. Associated with MODY1. Patients initially respond well to sulfonylureas but eventually become insulin dependent. However, more evidence is required to ascertain the role of this particular variant rs773661614 in MODY, yet.

Literature cited by the submitters: DOI 10.1159/000334532 (cited by Clinical Genomics, Uppaluri K&H Personalized Medicine Clinic); PubMed 18268044 (cited by Clinical Genomics, Uppaluri K&H Personalized Medicine Clinic); PubMed 17563455 (cited by Clinical Genomics, Uppaluri K&H Personalized Medicine Clinic); PubMed 32583173 (cited by Clinical Genomics, Uppaluri K&H Personalized Medicine Clinic); PubMed 35052457 (cited by Clinical Genomics, Uppaluri K&H Personalized Medicine Clinic); PubMed 35118593 (cited by Clinical Genomics, Uppaluri K&H Personalized Medicine Clinic).

NM_175914.5(HNF4A):c.68G>A (p.Gly23Asp)

Gene: HNF4A (hepatocyte nuclear factor 4 alpha; plus strand). Cytogenetic location: 20q13.12.
Variant type: single nucleotide variant.
Coding change: c.68G>A on transcript NM_175914.5 (MANE Select); coding-DNA position 68, G replaced by A.
Protein change: p.Gly23Asp; replaces glycine 23 with aspartic acid.
Molecular consequence: missense variant.
Genome position (GRCh38, 1-based): chr20:44,406,076, G>A. VCF-style: chr20-44406076-G-A. GRCh37 (hg19) VCF-style: chr20-43034716-G-A.
Other names: c.134G>A, p.Gly45Asp (NM_000457.6, NM_178849.3, NM_178850.3); c.68G>A, p.Gly23Asp (NM_001030003.3, NM_001030004.3); c.113G>A, p.Gly38Asp (NM_001258355.2); c.59G>A, p.Gly20Asp (NM_001287182.2, NM_001287183.2, NM_001287184.2); short protein forms G45D, G23D, G38D, G20D.
Identifiers: ClinVar variation 804912 (VCV000804912.4), dbSNP rs773661614, ClinGen allele CA9870159.